The following is an entry in ClinVar:

ClinVar aggregate classification (germline): Likely benign (1 of 4 stars; one submission).

gnomAD v4.1: 1 of 1,556,394 alleles (0.000064%); highest among the groups gnomAD compares: Non-Finnish European, 0.000087%; no homozygotes.

Submission:

CeGaT Center for Human Genetics Tuebingen
Classification: Likely benign. Last evaluated: 2024-07-01. Review status: criteria provided, single submitter. Criteria: CeGaT Center For Human Genetics Tuebingen Variant Classification Criteria Version 2. Collection method: clinical testing. Allele origin: germline. Affected: yes. Observed: 1 variant allele.
Comment: DOK7: PM2:Supporting, BP4, BP7

NM_173660.5(DOK7):c.954C>A (p.Pro318=)

Gene: DOK7 (docking protein 7; plus strand). Cytogenetic location: 4p16.3.
Variant type: single nucleotide variant.
Coding change: c.954C>A on transcript NM_173660.5 (MANE Select); coding-DNA position 954, C replaced by A.
Protein change: p.Pro318=; no amino-acid change (proline 318 retained).
Molecular consequence: synonymous variant. On other transcripts: 3 prime UTR variant (1).
Genome position (GRCh38, 1-based): chr4:3,492,940, C>A. VCF-style: chr4-3492940-C-A. GRCh37 (hg19) VCF-style: chr4-3494667-C-A.
Other names: c.*175C>A (NM_001164673.2); c.24C>A, p.Pro8= (NM_001256896.2); c.954C>A, p.Pro318= (NM_001301071.2); c.522C>A, p.Pro174= (NM_001363811.2).
Identifiers: ClinVar variation 3257247 (VCV003257247.17).